The following is an entry in ClinVar:

NM_001164508.2(NEB):c.24208-7_24208-6insTAA

Genes: NEB (nebulin; minus strand), RIF1 (replication timing regulatory factor 1; plus strand). Cytogenetic location: 2q23.3.
Variant type: Insertion.
Coding change: c.24208-7_24208-6insTAA on transcript NM_001164508.2 (MANE Select); 7 bases into the intron before coding-DNA position 24208 through 6 bases into the intron before coding-DNA position 24208, TAA inserted.
Molecular consequence: intron variant.
Genome position: GRCh38 VCF-style: chr2-151497724-C-CTTA. GRCh37 (hg19) VCF-style: chr2-152354238-C-CTTA.
Other names: c.18826-1357_18826-1356insTAA (NM_004543.5); c.24208-7_24208-6insTAA (NM_001164507.2); c.24313-7_24313-6insTAA (NM_001271208.2).
Identifiers: ClinVar variation 2421179 (VCV002421179.2), dbSNP rs770068242, ClinGen allele CA1906121.

ClinVar aggregate classification (germline): Uncertain significance (1 of 4 stars; one submission).

Conditions:
Nemaline myopathy 2 (NEM2). Also called: Nemaline myopathy 2, autosomal recessive. Identifiers: MedGen C1850569, MONDO:0009725, OMIM 256030.

Allele frequency attached by ClinVar (database versions not stated): gnomAD 0.00001.

Submission:

Labcorp Genetics (formerly Invitae), Labcorp
Classification: Uncertain significance for Nemaline myopathy 2. Last evaluated: 2022-07-15. Review status: criteria provided, single submitter. Criteria: Invitae Variant Classification Sherloc (09022015). Collection method: clinical testing. Allele origin: germline.
Comment: This sequence change falls in intron 171 of the NEB gene. It does not directly change the encoded amino acid sequence of the NEB protein. This variant is present in population databases (rs770068242, gnomAD 0.005%). This variant has not been reported in the literature in individuals affected with NEB-related conditions. Algorithms developed to predict the effect of sequence changes on RNA splicing suggest that this variant may disrupt the consensus splice site. In summary, the available evidence is currently insufficient to determine the role of this variant in disease. Therefore, it has been classified as a Variant of Uncertain Significance.